The following is an entry in ClinVar:

NM_015338.6(ASXL1):c.2243A>C (p.Gln748Pro)

Gene: ASXL1 (ASXL transcriptional regulator 1; plus strand). Cytogenetic location: 20q11.21.
Variant type: single nucleotide variant.
Coding change: c.2243A>C on transcript NM_015338.6 (MANE Select); coding-DNA position 2243, A replaced by C.
Protein change: p.Gln748Pro; replaces glutamine 748 with proline.
Molecular consequence: missense variant.
Genome position (GRCh38, 1-based): chr20:32,434,955, A>C. VCF-style: chr20-32434955-A-C. GRCh37 (hg19) VCF-style: chr20-31022758-A-C.
Other names: c.2060A>C, p.Gln687Pro (NM_001363734.1); short protein forms Q748P, Q687P.
Identifiers: ClinVar variation 4827427 (VCV004827427.1).

ClinVar aggregate classification (germline): Uncertain significance (1 of 4 stars; one submission).

Conditions:
Inborn genetic diseases. Identifiers: MedGen C0950123, MeSH D030342.

Submission:

Ambry Genetics
Classification: Uncertain significance for Inborn genetic diseases. Last evaluated: 2026-03-09. Review status: criteria provided, single submitter. Criteria: Ambry Variant Classification Scheme 2023. Collection method: clinical testing. Allele origin: germline.
Comment: The p.Q748P variant (also known as c.2243A>C), located in coding exon 13 of the ASXL1 gene, results from an A to C substitution at nucleotide position 2243. The glutamine at codon 748 is replaced by proline, an amino acid with similar properties. This amino acid position is conserved. In addition, this alteration is predicted to be tolerated by in silico analysis. Based on the available evidence, the clinical significance of this variant remains unclear.